The following is an entry in ClinVar:

ClinVar aggregate classification (germline): Uncertain significance. Review status: criteria provided, multiple submitters, no conflicts (2 of 4 stars). 3 submissions from 3 submitters: Uncertain significance (3). Last evaluated 2025-07-08.

Conditions:
Charcot-Marie-Tooth disease axonal type 2O. Also called: CHARCOT-MARIE-TOOTH NEUROPATHY, AXONAL, TYPE 2O; CHARCOT-MARIE-TOOTH DISEASE, AXONAL, AUTOSOMAL DOMINANT, TYPE 2O; Charcot-Marie-Tooth Neuropathy Type 2O; Charcot-Marie-Tooth disease, axonal, type 20. Identifiers: Orphanet 284232, MedGen C3280220, MONDO:0013644, OMIM 614228.

Allele frequency attached by ClinVar (database versions not stated): TOPMed below 0.00001; ExAC 0.00002; ESP Exome Variant Server 0.00008.
gnomAD v4.1: 5 of 1,614,218 alleles (0.00031%); highest among the groups gnomAD compares: East Asian, 0.0022%; no homozygotes.

Submissions (3):

Dasa
Classification: Uncertain significance. Last evaluated: 2025-07-08. Review status: criteria provided, single submitter. Criteria: DASA Assertion Criteria. Collection method: clinical testing. Allele origin: germline.
Comment: NM_001376.5(DYNC1H1):c.3953G>A (p.Arg1318His) is a missense variant that results in the substitution of arginine with histidine. This variant is rare in population databases. The currently available literature and clinical evidence are not sufficient to establish a definitive association between this variant and the reported condition. Therefore, this variant is classified as a variant of uncertain significance.

Labcorp Genetics (formerly Invitae), Labcorp
Classification: Uncertain significance for Charcot-Marie-Tooth disease axonal type 2O. Last evaluated: 2023-10-06. Review status: criteria provided, single submitter. Criteria: Invitae Variant Classification Sherloc (09022015). Collection method: clinical testing. Allele origin: germline.
Comment: This sequence change replaces arginine, which is basic and polar, with histidine, which is basic and polar, at codon 1318 of the DYNC1H1 protein (p.Arg1318His). This variant is present in population databases (rs143114300, gnomAD 0.003%). This variant has not been reported in the literature in individuals affected with DYNC1H1-related conditions. ClinVar contains an entry for this variant (Variation ID: 2194581). Advanced modeling of protein sequence and biophysical properties (such as structural, functional, and spatial information, amino acid conservation, physicochemical variation, residue mobility, and thermodynamic stability) performed at Invitae indicates that this missense variant is expected to disrupt DYNC1H1 protein function. In summary, the available evidence is currently insufficient to determine the role of this variant in disease. Therefore, it has been classified as a Variant of Uncertain Significance.

Revvity Omics, Revvity
Classification: Uncertain significance. Last evaluated: 2021-08-27. Review status: criteria provided, single submitter. Criteria: ACMG Guidelines, 2015. Collection method: clinical testing. Allele origin: germline.

NM_001376.5(DYNC1H1):c.3953G>A (p.Arg1318His)

Gene: DYNC1H1 (dynein cytoplasmic 1 heavy chain 1; plus strand). Cytogenetic location: 14q32.31.
Variant type: single nucleotide variant.
Coding change: c.3953G>A on transcript NM_001376.5 (MANE Select); coding-DNA position 3953, G replaced by A.
Protein change: p.Arg1318His; replaces arginine 1318 with histidine.
Molecular consequence: missense variant.
Genome position (GRCh38, 1-based): chr14:102,000,137, G>A. VCF-style: chr14-102000137-G-A. GRCh37 (hg19) VCF-style: chr14-102466474-G-A.
Other names: short protein forms R1318H.
Identifiers: ClinVar variation 2194581 (VCV002194581.9), dbSNP rs143114300, ClinGen allele CA7352120.
Genomic context (GRCh38, chr14:102,000,137, plus strand): 5'-CAAAGGCCAAGGAGGCGCTGGAATTGACAGATACTGGGCTTCTCAGTGGCAGTGAAGAGC[G>A]CGTGCAGGTATGAACCACTGGGGAGTGGGTGGAGAATCCCGCTCCCCACCCGGACTCTGC-3'
Protein context (NP_001367.2, residues 1308-1328): DTGLLSGSEE[Arg1318His]VQVALEELQD